The following is an entry in ClinVar:

NM_001102564.3(IFT43):c.136C>T (p.Leu46=)

Gene: IFT43 (intraflagellar transport 43; plus strand). Cytogenetic location: 14q24.3.
Variant type: single nucleotide variant.
Coding change: c.136C>T on transcript NM_001102564.3 (MANE Select); coding-DNA position 136, C replaced by T.
Protein change: p.Leu46=; no amino-acid change (leucine 46 retained).
Molecular consequence: synonymous variant. On other transcripts: non-coding transcript variant (2).
Genome position (GRCh38, 1-based): chr14:75,988,966, C>T. VCF-style: chr14-75988966-C-T. GRCh37 (hg19) VCF-style: chr14-76455309-C-T.
Other names: c.136C>T, p.Leu46= (NM_001255995.3, NM_052873.3).
Identifiers: ClinVar variation 314468 (VCV000314468.18), dbSNP rs151137087, ClinGen allele CA7280647.

ClinVar aggregate classification (germline): Likely benign. Review status: criteria provided, multiple submitters, no conflicts (2 of 4 stars). 3 submissions from 3 submitters: Likely benign (3). Last evaluated 2026-03-01.

Conditions:
Cranioectodermal dysplasia 3 (CED3). Identifiers: Orphanet 1515, MedGen C3279807, MONDO:0013573, OMIM 614099.
Short-rib thoracic dysplasia 18 with polydactyly. Identifiers: MedGen C4693420, MONDO:0036483, OMIM 617866.
Retinitis pigmentosa 81 (RP81). Identifiers: MedGen C4693443, MONDO:0036482, OMIM 617871.

Allele frequency attached by ClinVar (database versions not stated): gnomAD exomes 0.00029 and 0.00062; ExAC 0.00035; TOPMed 0.00045; gnomAD 0.00050 and 0.00052; ESP Exome Variant Server 0.00054.
gnomAD v4.1: 968 of 1,613,668 alleles (0.06%); highest among the groups gnomAD compares: Non-Finnish European, 0.079%; no homozygotes.

Submissions (3):

CeGaT Center for Human Genetics Tuebingen
Classification: Likely benign. Last evaluated: 2026-03-01. Review status: criteria provided, single submitter. Criteria: CeGaT Center For Human Genetics Tuebingen Variant Classification Criteria Version 2. Collection method: clinical testing. Allele origin: germline. Affected: yes. Observed: 2 variant alleles.
Comment: IFT43: BP4, BP7

Labcorp Genetics (formerly Invitae), Labcorp
Classification: Likely benign. Last evaluated: 2026-01-11. Review status: criteria provided, single submitter. Criteria: Invitae Variant Classification Sherloc (09022015). Collection method: clinical testing. Allele origin: germline.

Fulgent Genetics
Classification: Likely benign for Cranioectodermal dysplasia 3; Short-rib thoracic dysplasia 18 with polydactyly; Retinitis pigmentosa 81. Last evaluated: 2022-03-31. Review status: criteria provided, single submitter. Criteria: ACMG Guidelines, 2015. Collection method: clinical testing. Allele origin: unknown.